The following is an entry in ClinVar:

NM_001271.4(CHD2):c.4084G>C (p.Glu1362Gln)

Gene: CHD2 (chromodomain helicase DNA binding protein 2; plus strand). Cytogenetic location: 15q26.1.
Variant type: single nucleotide variant.
Coding change: c.4084G>C on transcript NM_001271.4 (MANE Select); coding-DNA position 4084, G replaced by C.
Protein change: p.Glu1362Gln; replaces glutamic acid 1362 with glutamine.
Molecular consequence: missense variant.
Genome position (GRCh38, 1-based): chr15:93,000,587, G>C. VCF-style: chr15-93000587-G-C. GRCh37 (hg19) VCF-style: chr15-93543817-G-C.
Other names: short protein forms E1362Q.
Identifiers: ClinVar variation 2015417 (VCV002015417.4), dbSNP rs2505599432, ClinGen allele CA393900453.

ClinVar aggregate classification (germline): Uncertain significance (1 of 4 stars; one submission).

Conditions:
Developmental and epileptic encephalopathy 94 (DEE94). Also called: Epileptic encephalopathy, childhood-onset; CHD2-Related Neurodevelopmental Disorders. Identifiers: Orphanet 1942, Orphanet 2382, MedGen C3809278, MONDO:0014150, OMIM 615369.

Submission:

Labcorp Genetics (formerly Invitae), Labcorp
Classification: Uncertain significance for Developmental and epileptic encephalopathy 94. Last evaluated: 2022-07-09. Review status: criteria provided, single submitter. Criteria: Invitae Variant Classification Sherloc (09022015). Collection method: clinical testing. Allele origin: germline.
Comment: This sequence change replaces glutamic acid, which is acidic and polar, with glutamine, which is neutral and polar, at codon 1362 of the CHD2 protein (p.Glu1362Gln). This variant has not been reported in the literature in individuals affected with CHD2-related conditions. Advanced modeling of protein sequence and biophysical properties (such as structural, functional, and spatial information, amino acid conservation, physicochemical variation, residue mobility, and thermodynamic stability) performed at Invitae indicates that this missense variant is not expected to disrupt CHD2 protein function. This variant is not present in population databases (gnomAD no frequency). In summary, the available evidence is currently insufficient to determine the role of this variant in disease. Therefore, it has been classified as a Variant of Uncertain Significance.